The following is an entry in ClinVar:

ClinVar aggregate classification (germline): Uncertain significance (1 of 4 stars; one submission).

Conditions:
Early Myoclonic Encephalopathy. Identifiers: MedGen C0270855.

Submission:

Labcorp Genetics (formerly Invitae), Labcorp
Classification: Uncertain significance for Early Myoclonic Encephalopathy. Last evaluated: 2023-12-21. Review status: criteria provided, single submitter. Criteria: Invitae Variant Classification Sherloc (09022015). Collection method: clinical testing. Allele origin: germline.
Comment: This sequence change replaces alanine, which is neutral and non-polar, with threonine, which is neutral and polar, at codon 6 of the KCND2 protein (p.Ala6Thr). This variant is not present in population databases (gnomAD no frequency). This variant has not been reported in the literature in individuals affected with KCND2-related conditions. Advanced modeling of protein sequence and biophysical properties (such as structural, functional, and spatial information, amino acid conservation, physicochemical variation, residue mobility, and thermodynamic stability) performed at Invitae indicates that this missense variant is not expected to disrupt KCND2 protein function with a negative predictive value of 80%. In summary, the available evidence is currently insufficient to determine the role of this variant in disease. Therefore, it has been classified as a Variant of Uncertain Significance.

NM_012281.3(KCND2):c.16G>A (p.Ala6Thr)

Gene: KCND2 (potassium voltage-gated channel subfamily D member 2; plus strand). Cytogenetic location: 7q31.31.
Variant type: single nucleotide variant.
Coding change: c.16G>A on transcript NM_012281.3 (MANE Select); coding-DNA position 16, G replaced by A.
Protein change: p.Ala6Thr; replaces alanine 6 with threonine.
Molecular consequence: missense variant.
Genome position (GRCh38, 1-based): chr7:120,274,648, G>A. VCF-style: chr7-120274648-G-A. GRCh37 (hg19) VCF-style: chr7-119914702-G-A.
Other names: short protein forms A6T.
Identifiers: ClinVar variation 2704590 (VCV002704590.3), dbSNP rs2546906749, ClinGen allele CA369130655.
Genomic context (GRCh38, chr7:120,274,648, plus strand): 5'-ATTGTAGACGCCTCGTTACCCTTCTTCCTTCCGCTTCAAGTAATCATGGCGGCGGGGGTG[G>A]CAGCGTGGCTGCCTTTTGCAAGGGCAGCGGCTATCGGGTGGATGCCTGTGGCCTCGGGGC-3'
Protein context (NP_036413.1, residues 1-16): MAAGV[Ala6Thr]AWLPFARAAA